The following is an entry in ClinVar:

NM_000256.3(MYBPC3):c.2414-2_2414-1delinsTCCA

Gene: MYBPC3 (myosin binding protein C3; minus strand). Cytogenetic location: 11p11.2.
Variant type: Indel.
Coding change: c.2414-2_2414-1delinsTCCA on transcript NM_000256.3 (MANE Select); the canonical splice acceptor site of the intron before coding-DNA position 2414, AG replaced by TCCA.
Molecular consequence: splice acceptor variant.
Genome position (GRCh38, 1-based): chr11:47,337,580-47,337,581, CT replaced by TGGA on the plus strand (AG replaced by TCCA on the coding strand, the reverse complement: MYBPC3 is on the minus strand). VCF-style: chr11-47337580-CT-TGGA. GRCh37 (hg19) VCF-style: chr11-47359131-CT-TGGA.
Other names: c.2414-2_2414-1delAGinsTCCA (NM_000256.3).
Identifiers: ClinVar variation 503948 (VCV000503948.2), dbSNP rs1555121260, ClinGen allele CA658797625.

ClinVar aggregate classification (germline): Likely pathogenic (1 of 4 stars; one submission).

Submission:

GeneDx
Classification: Likely pathogenic. Last evaluated: 2025-03-27. Review status: criteria provided, single submitter. Criteria: GeneDx Variant Classification Process June 2021. Collection method: clinical testing. Allele origin: germline. Affected: yes.
Comment: Has not been previously published as pathogenic or benign to our knowledge; Not observed at significant frequency in large population cohorts (gnomAD); Canonical splice site variant predicted to result in a null allele in a gene for which loss-of-function is a known mechanism of disease